The following is an entry in ClinVar:

ClinVar aggregate classification (germline): Benign. Review status: criteria provided, multiple submitters, no conflicts (2 of 4 stars). 2 submissions from 2 submitters: Benign (2). Last evaluated 2024-01-24.

Submissions (2):

Unidad de Genómica Garrahan, Hospital de Pediatría Garrahan
Classification: Benign. Last evaluated: 2024-01-24. Review status: criteria provided, single submitter. Criteria: ACMG Guidelines, 2015. Collection method: clinical testing. Allele origin: germline. Affected: no. Observed: 69 variant alleles.
Comment: This variant is classified as Benign based on local population frequency. This variant was detected in 73% of patients studied by a panel of primary immunodeficiencies. Number of patients: 69. Only high quality variants are reported.

GeneDx
Classification: Benign. Last evaluated: 2018-11-12. Review status: criteria provided, single submitter. Criteria: GeneDx Variant Classification Process June 2021. Collection method: clinical testing. Allele origin: germline. Affected: yes.

NM_001127208.3(TET2):c.-46-63ATAG[4]

Genes: TET2 (tet methylcytosine dioxygenase 2; plus strand), TET2-AS1 (TET2 antisense RNA 1; minus strand). Cytogenetic location: 4q24.
Variant type: Microsatellite.
Coding change: c.-46-63ATAG[4] on transcript NM_001127208.3 (MANE Select); four copies in a row of the 4-base unit ATAG starting at c.-46-63.
Molecular consequence: intron variant.
Genome position: GRCh38 VCF-style: chr4-105233833-TATAGATAG-T. GRCh37 (hg19) VCF-style: chr4-106154990-TATAGATAG-T.
Other names: c.-46-63ATAG[4] (NM_017628.4).
Identifiers: ClinVar variation 1234506 (VCV001234506.5), dbSNP rs58201766, ClinGen allele CA102747264.
Genomic context (GRCh38, chr4:105,233,833, plus strand): 5'-GCTATGTCTAGGTATTCCGATATTTATCCACAATTATTCCTTAAGATATATTAGTATTTT[TATAGATAG>T]ATAGATAGATAGATAGAAATAAACACATTTTAATTTTTGTTTCCATGCTCTTTAGAATTC-3'